The following is an entry in ClinVar:

NM_005902.4(SMAD3):c.871+1G>A

Gene: SMAD3 (SMAD family member 3; plus strand). Cytogenetic location: 15q22.33.
Variant type: single nucleotide variant.
Coding change: c.871+1G>A on transcript NM_005902.4 (MANE Select); the canonical splice donor site of the intron after coding-DNA position 871, G replaced by A.
Molecular consequence: splice donor variant.
Genome position (GRCh38, 1-based): chr15:67,181,454, G>A. VCF-style: chr15-67181454-G-A. GRCh37 (hg19) VCF-style: chr15-67473792-G-A.
Other names: c.871+1G>A (NM_001407011.1, NM_001407013.1, NM_005902.3); c.739+1G>A (NM_001407012.1, NM_001145103.2); c.724+1G>A (NM_001407014.1); c.556+1G>A (NM_001145102.2, NM_001407016.1); c.424+1G>A (NM_001407015.1); c.286+1G>A (NM_001145104.2, NM_001407017.1).
Identifiers: ClinVar variation 692110 (VCV000692110.13), dbSNP rs1595956832, ClinGen allele CA392956435.

ClinVar aggregate classification (germline): Pathogenic. Review status: criteria provided, multiple submitters, no conflicts (2 of 4 stars). 3 submissions from 3 submitters: Pathogenic (3). Last evaluated 2023-10-03.

Conditions:
Familial thoracic aortic aneurysm and aortic dissection (TAAD). Also called: Thoracic aortic aneurysms and dissections. Identifiers: Orphanet 91387, MedGen C4707243, MONDO:0019625.
Ascending aortic dissection. Identifiers: MedGen C1836653, HP:0004933.
Aneurysm-osteoarthritis syndrome. Also called: SMAD3-Related Loeys-Dietz Syndrome; Loeys-Dietz syndrome, type 1C; LOEYS-DIETZ SYNDROME WITH OSTEOARTHRITIS; ANEURYSMS-OSTEOARTHRITIS SYNDROME. Identifiers: Orphanet 284984, MedGen C3151087, MONDO:0013426, OMIM 613795.

Submissions (3):

Labcorp Genetics (formerly Invitae), Labcorp
Classification: Pathogenic for Familial thoracic aortic aneurysm and aortic dissection. Last evaluated: 2023-10-03. Review status: criteria provided, single submitter. Criteria: Invitae Variant Classification Sherloc (09022015). Collection method: clinical testing. Allele origin: germline.
Comment: This sequence change affects a donor splice site in intron 6 of the SMAD3 gene. RNA analysis indicates that disruption of this splice site induces altered splicing and likely results in a shortened protein product. This variant is not present in population databases (gnomAD no frequency). Disruption of this splice site has been observed in individuals with thoracic aortic aneurysm and dissection (PMID: 32597575). It has also been observed to segregate with disease in related individuals. ClinVar contains an entry for this variant (Variation ID: 692110). Studies have shown that disruption of this splice site results in skipping of exon 6, but is expected to preserve the integrity of the reading-frame (PMID: 32597575). For these reasons, this variant has been classified as Pathogenic.

Victorian Clinical Genetics Services, Murdoch Childrens Research Institute
Classification: Pathogenic for Aneurysm-osteoarthritis syndrome. Last evaluated: 2023-07-17. Review status: criteria provided, single submitter. Criteria: ACMG Guidelines, 2015. Collection method: clinical testing. Allele origin: germline. Inheritance: Autosomal dominant inheritance. Affected: yes.
Comment: Based on the classification scheme VCGS_Germline_v1.3.4, this variant is classified as Pathogenic. Following criteria are met: 0102 - Loss of function is a known mechanism of disease in this gene and is associated with Loeys-Dietz syndrome 3 (MIM#613795). Dominant negative is a suggested mechanism of disease in this gene for missense variants in the MH2 domain (PMID: 30661052). (I) 0107 - This gene is associated with autosomal dominant disease. (I) 0115 - Variants in this gene are known to have variable expressivity. Clinical features of Loeys-Dietz syndrome associated with SMAD3 are variable, and the penetrance of aortic events generally increases with age (PMIDs: 20301312, 30661052). (I) 0210 - Splice site variant proven to affect splicing of the transcript with a known effect on protein sequence. RT-PCR and Sanger sequencing analysis of an aortic tissue sample from a proband with this variant demonstrated exon 6 skipping. This exon skipping was expected to result in an in-frame deletion and cause protein misfolding (PMID: 32597575). (SP) 0251 - This variant is heterozygous. (I) 0301 - Variant is absent from gnomAD (both v2 and v3). (SP) 0703 - Other canonical splice site variants comparable to the one identified in this case have moderate previous evidence for pathogenicity. c.871+1G>T and c.871+2T>C have been reported as likely pathogenic and pathogenic, respectively, by clinical testing laboratories (ClinVar). (SP) 0802 - This variant has moderate previous evidence of pathogenicity in unrelated individuals. It has been reported in two apparently unrelated Cypriot families with nonsyndromic familial thoracic aortic aneurysm and dissection, including two family members with osteoarthritis and skeletal signs but without aortic dilatation or aneurysm reported (PMID: 32597575). It has also been reported in an individual with connective tissue disease findings whose brother also has this variant and required surgery for splenic aneurysm (PMID: 32897753). In addition, this variant has been reported as likely pathogenic by a clinical testing laboratory (ClinVar). A CNV analysis of targeted NGS (exome) data has detected a deletion of exon 6 in an individual with thoracic aortic aneurysm; however, the exact deletion breakpoints are not available (PMIDs: 29907982, 35031499). (SP) 0901 - This variant has strong evidence for segregation with disease. In one of the families with nonsyndromic familial thoracic aortic aneurysm and dissection published in the literature, this variant segregated with disease in a total of eight family members (PMID: 32597575). (SP) 1208 - Inheritance information for this variant is not currently available in this individual. (I) Legend: (SP) - Supporting pathogenic, (I) - Information, (SB) - Supporting benign

Cardiovascular Genetics and the Laboratory of Forensic Genetics, Cyprus Institute of Neurology and Genetics
Classification: Pathogenic for Ascending aortic dissection. Last evaluated: 2019-09-18. Review status: criteria provided, single submitter. Criteria: ACMG Guidelines, 2015. Collection method: clinical testing. Allele origin: inherited. Inheritance: Autosomal dominant inheritance. Affected: yes. Observed: 10 variant alleles, 11 heterozygotes. Clinical features observed: Ascending aortic dissection (HP:0004933).
Comment: The c.871+1G>A in SMAD3 has been reported in two apparently unrelated Cypriot families with autosomal dominant inheritance, segregated with the thoracic aortic aneurysm (TAA) on seven affected individuals and was absent from large population databases. mRNA analysis showed that this mutation (c.871+1G>A) disrupts normal splicing, leading to exon 6 skipping. According to the ACMG guidelines the c.871+1G>A variant can be classified as pathogenic with one Very Strong (PVS1), one Strong (PS3), one Moderate (PM2) and two Supporting (PP1 and PP3) evidences of pathogenicity.

Literature cited by the submitters: PubMed 32597575 (cited by Labcorp Genetics (formerly Invitae), Labcorp and Victorian Clinical Genetics Services, Murdoch Childrens Research Institute); PubMed 20301312 (cited by Victorian Clinical Genetics Services, Murdoch Childrens Research Institute); PubMed 29907982 (cited by Victorian Clinical Genetics Services, Murdoch Childrens Research Institute); PubMed 30661052 (cited by Victorian Clinical Genetics Services, Murdoch Childrens Research Institute); PubMed 32897753 (cited by Victorian Clinical Genetics Services, Murdoch Childrens Research Institute); PubMed 35031499 (cited by Victorian Clinical Genetics Services, Murdoch Childrens Research Institute).